The following is an entry in ClinVar:

NM_024334.3(TMEM43):c.158A>G (p.Asn53Ser)

Gene: TMEM43 (transmembrane protein 43; plus strand). Cytogenetic location: 3p25.1.
Variant type: single nucleotide variant.
Coding change: c.158A>G on transcript NM_024334.3 (MANE Select); coding-DNA position 158, A replaced by G.
Protein change: p.Asn53Ser; replaces asparagine 53 with serine.
Molecular consequence: missense variant. On other transcripts: intron variant (1).
Genome position (GRCh38, 1-based): chr3:14,129,557, A>G. VCF-style: chr3-14129557-A-G. GRCh37 (hg19) VCF-style: chr3-14171057-A-G.
Other names: c.158A>G, p.Asn53Ser (NM_001407279.1, NM_001407274.1, NM_001407275.1 and 3 more transcripts); c.13-1265A>G (NM_001407280.1); short protein forms N53S.
Identifiers: ClinVar variation 3718846 (VCV003718846.2).

ClinVar aggregate classification (germline): Uncertain significance (1 of 4 stars; one submission).

Conditions:
Arrhythmogenic right ventricular dysplasia 5. Also called: ARRHYTHMOGENIC RIGHT VENTRICULAR DYSPLASIA, FAMILIAL, 5; Arrhythmogenic Right Ventricular Dysplasia/Cardiomyopathy 5. Identifiers: MedGen C1858379, MONDO:0011459, OMIM 604400.

gnomAD v4.1: 1 of 1,613,926 alleles (0.000062%); no homozygotes.

Submission:

Labcorp Genetics (formerly Invitae), Labcorp
Classification: Uncertain significance for Arrhythmogenic right ventricular dysplasia 5. Last evaluated: 2025-01-26. Review status: criteria provided, single submitter. Criteria: Invitae Variant Classification Sherloc (09022015). Collection method: clinical testing. Allele origin: germline.
Comment: This sequence change replaces asparagine, which is neutral and polar, with serine, which is neutral and polar, at codon 53 of the TMEM43 protein (p.Asn53Ser). This variant is not present in population databases (gnomAD no frequency). This variant has not been reported in the literature in individuals affected with TMEM43-related conditions. Invitae Evidence Modeling of protein sequence and biophysical properties (such as structural, functional, and spatial information, amino acid conservation, physicochemical variation, residue mobility, and thermodynamic stability) indicates that this missense variant is expected to disrupt TMEM43 protein function with a positive predictive value of 80%. In summary, the available evidence is currently insufficient to determine the role of this variant in disease. Therefore, it has been classified as a Variant of Uncertain Significance.